The following is an entry in ClinVar:

NM_001197104.2(KMT2A):c.8375T>C (p.Val2792Ala)

Gene: KMT2A (lysine methyltransferase 2A; plus strand). Cytogenetic location: 11q23.3.
Variant type: single nucleotide variant.
Coding change: c.8375T>C on transcript NM_001197104.2 (MANE Select); coding-DNA position 8375, T replaced by C.
Protein change: p.Val2792Ala; replaces valine 2792 with alanine.
Molecular consequence: missense variant.
Genome position (GRCh38, 1-based): chr11:118,504,267, T>C. VCF-style: chr11-118504267-T-C. GRCh37 (hg19) VCF-style: chr11-118374982-T-C.
Other names: c.8465T>C, p.Val2822Ala (NM_001412597.1); c.8366T>C, p.Val2789Ala (NM_005933.4); short protein forms V2789A, V2792A, V2822A.
Identifiers: ClinVar variation 1718194 (VCV001718194.5), dbSNP rs2497009327, ClinGen allele CA382813275.

ClinVar aggregate classification (germline): Uncertain significance (1 of 4 stars; one submission).

Submission:

Labcorp Genetics (formerly Invitae), Labcorp
Classification: Uncertain significance. Last evaluated: 2022-08-27. Review status: criteria provided, single submitter. Criteria: Invitae Variant Classification Sherloc (09022015). Collection method: clinical testing. Allele origin: germline.
Comment: This variant is not present in population databases (gnomAD no frequency). This sequence change replaces valine, which is neutral and non-polar, with alanine, which is neutral and non-polar, at codon 2792 of the KMT2A protein (p.Val2792Ala). In summary, the available evidence is currently insufficient to determine the role of this variant in disease. Therefore, it has been classified as a Variant of Uncertain Significance. Advanced modeling of protein sequence and biophysical properties (such as structural, functional, and spatial information, amino acid conservation, physicochemical variation, residue mobility, and thermodynamic stability) performed at Invitae indicates that this missense variant is not expected to disrupt KMT2A protein function. This variant has not been reported in the literature in individuals affected with KMT2A-related conditions.